The following is an entry in ClinVar:

NM_002294.3(LAMP2):c.973C>G (p.Leu325Val)

Gene: LAMP2 (lysosome associated membrane protein 2; minus strand). Cytogenetic location: Xq24.
Variant type: single nucleotide variant.
Coding change: c.973C>G on transcript NM_002294.3 (MANE Select); coding-DNA position 973, C replaced by G.
Protein change: p.Leu325Val; replaces leucine 325 with valine.
Molecular consequence: missense variant.
Genome position (GRCh38, 1-based): chrX:120,441,850, G>C on the plus strand (C>G on the coding strand, the complement: LAMP2 is on the minus strand). VCF-style: chrX-120441850-G-C. GRCh37 (hg19) VCF-style: chrX-119575705-G-C.
Other names: c.973C>G, p.Leu325Val (NM_013995.2, NM_001122606.1); short protein forms L325V.
Identifiers: ClinVar variation 2841248 (VCV002841248.3), dbSNP rs2520860307, ClinGen allele CA414400146.

ClinVar aggregate classification (germline): Uncertain significance (1 of 4 stars; one submission).

Conditions:
Danon disease. Also called: Glycogen Storage Disease Type IIb; ANTOPOL DISEASE; PSEUDOGLYCOGENOSIS II; GSD IIb; LYSOSOMAL GLYCOGEN STORAGE DISEASE WITHOUT ACID MALTASE DEFICIENCY. Identifiers: Orphanet 34587, MedGen C0878677, MONDO:0010281, OMIM 300257.

Submission:

Labcorp Genetics (formerly Invitae), Labcorp
Classification: Uncertain significance for Danon disease. Last evaluated: 2023-02-27. Review status: criteria provided, single submitter. Criteria: Invitae Variant Classification Sherloc (09022015). Collection method: clinical testing. Allele origin: germline.
Comment: This sequence change replaces leucine, which is neutral and non-polar, with valine, which is neutral and non-polar, at codon 325 of the LAMP2 protein (p.Leu325Val). This variant is not present in population databases (gnomAD no frequency). This variant has not been reported in the literature in individuals affected with LAMP2-related conditions. Advanced modeling of protein sequence and biophysical properties (such as structural, functional, and spatial information, amino acid conservation, physicochemical variation, residue mobility, and thermodynamic stability) performed at Invitae indicates that this missense variant is not expected to disrupt LAMP2 protein function. In summary, the available evidence is currently insufficient to determine the role of this variant in disease. Therefore, it has been classified as a Variant of Uncertain Significance.